The following is an entry in ClinVar:

NM_001128840.3(CACNA1D):c.2128G>T (p.Val710Leu)

Gene: CACNA1D (calcium voltage-gated channel subunit alpha1 D; plus strand). Cytogenetic location: 3p21.1.
Variant type: single nucleotide variant.
Coding change: c.2128G>T on transcript NM_001128840.3 (MANE Select); coding-DNA position 2128, G replaced by T.
Protein change: p.Val710Leu; replaces valine 710 with leucine.
Molecular consequence: missense variant.
Genome position (GRCh38, 1-based): chr3:53,726,906, G>T. VCF-style: chr3-53726906-G-T. GRCh37 (hg19) VCF-style: chr3-53760933-G-T.
Other names: c.2188G>T (NM_000720.2); c.2188G>T, p.Val730Leu (NM_000720.4); c.2128G>T, p.Val710Leu (NM_001128839.3); short protein forms V730L, V710L.
Identifiers: ClinVar variation 1985656 (VCV001985656.5), dbSNP rs1465997147, ClinGen allele CA353238814.

ClinVar aggregate classification (germline): Uncertain significance. Review status: criteria provided, multiple submitters, no conflicts (2 of 4 stars). 3 submissions from 3 submitters: Uncertain significance (3). Last evaluated 2024-12-05.

Conditions:
Inborn genetic diseases. Identifiers: MedGen C0950123, MeSH D030342.

Allele frequency attached by ClinVar (database versions not stated): TOPMed below 0.00001; gnomAD exomes 0.00001.
gnomAD v4.1: 4 of 1,614,088 alleles (0.00025%); highest among the groups gnomAD compares: Admixed American, 0.0033%; no homozygotes.

Submissions (3):

Ambry Genetics
Classification: Uncertain significance for Inborn genetic diseases. Last evaluated: 2024-12-05. Review status: criteria provided, single submitter. Criteria: Ambry Variant Classification Scheme 2023. Collection method: clinical testing. Allele origin: germline.

Women's Health and Genetics/Laboratory Corporation of America, LabCorp
Classification: Uncertain significance. Last evaluated: 2024-11-18. Review status: criteria provided, single submitter. Criteria: LabCorp Variant Classification Summary - May 2015. Collection method: clinical testing. Allele origin: germline.
Comment: Variant summary: CACNA1D c.2188G>T (p.Val730Leu) results in a conservative amino acid change located in the Ion transport domain (IPR005821) of the encoded protein sequence. Four of five in-silico tools predict a damaging effect of the variant on protein function. The variant allele was found at a frequency of 4e-06 in 251488 control chromosomes. The available data on variant occurrences in the general population are insufficient to allow any conclusion about variant significance. To our knowledge, no occurrence of c.2188G>T in individuals affected with Sinoatrial Node Dysfunction And Deafness and no experimental evidence demonstrating its impact on protein function have been reported. ClinVar contains an entry for this variant (Variation ID: 1985656). Based on the evidence outlined above, the variant was classified as uncertain significance.

Labcorp Genetics (formerly Invitae), Labcorp
Classification: Uncertain significance. Last evaluated: 2024-04-20. Review status: criteria provided, single submitter. Criteria: Invitae Variant Classification Sherloc (09022015). Collection method: clinical testing. Allele origin: germline.
Comment: This sequence change replaces valine, which is neutral and non-polar, with leucine, which is neutral and non-polar, at codon 730 of the CACNA1D protein (p.Val730Leu). This variant is present in population databases (no rsID available, gnomAD 0.003%). This variant has not been reported in the literature in individuals affected with CACNA1D-related conditions. ClinVar contains an entry for this variant (Variation ID: 1985656). Advanced modeling of protein sequence and biophysical properties (such as structural, functional, and spatial information, amino acid conservation, physicochemical variation, residue mobility, and thermodynamic stability) performed at Invitae indicates that this missense variant is not expected to disrupt CACNA1D protein function with a negative predictive value of 80%. In summary, the available evidence is currently insufficient to determine the role of this variant in disease. Therefore, it has been classified as a Variant of Uncertain Significance.